The following is an entry in ClinVar:

ClinVar aggregate classification (germline): Uncertain significance (1 of 4 stars; one submission).

gnomAD v4.1: 32 of 1,613,364 alleles (0.002%); highest among the groups gnomAD compares: Non-Finnish European, 0.0025%; no homozygotes.

Submission:

GeneDx
Classification: Uncertain significance. Last evaluated: 2025-05-08. Review status: criteria provided, single submitter. Criteria: GeneDx Variant Classification Process June 2021. Collection method: clinical testing. Allele origin: germline. Affected: yes.
Comment: In silico analysis supports a deleterious effect on splicing; Has not been previously published as pathogenic or benign to our knowledge

NM_006757.4(TNNT3):c.69G>A (p.Glu23=)

Gene: TNNT3 (troponin T3, fast skeletal type; plus strand). Cytogenetic location: 11p15.5.
Variant type: single nucleotide variant.
Coding change: c.69G>A on transcript NM_006757.4 (MANE Select); coding-DNA position 69, G replaced by A.
Protein change: p.Glu23=; no amino-acid change (glutamic acid 23 retained).
Molecular consequence: synonymous variant. On other transcripts: intron variant (8).
Genome position (GRCh38, 1-based): chr11:1,926,696, G>A. VCF-style: chr11-1926696-G-A. GRCh37 (hg19) VCF-style: chr11-1947926-G-A.
Other names: c.69G>A, p.Glu23= (NM_001042780.3, NM_001042782.3, NM_001297646.2 and 1 more transcripts); c.102G>A, p.Glu34= (NM_001363561.2, NM_001367846.1, NM_001367847.1); c.90G>A, p.Glu30= (NM_001367848.1); c.100+215G>A (NM_001042781.3, NM_001367843.1, NM_001367842.1); c.82+215G>A (NM_001367845.1); c.50-3114G>A (NM_001367850.1); c.-98-3114G>A (NM_001367851.1); c.70+1420G>A (NM_001367849.1); and 1 more.
Identifiers: ClinVar variation 3373470 (VCV003373470.2).
Genomic context (GRCh38, chr11:1,926,696, plus strand): 5'-ACTCACACTGGTCCTCTCTCTCTCCCGCCCTTTCTGCCACCATGACGCTGCTTCTGCAGA[G>A]GAAGTTCAAGAAGGTACGCCGGCGCTCCCCCGCCTCCAGGCCAGAGTCTCCGTCCTCCCT-3'
Protein context (NP_006748.1, residues 13-33): YEEEEEAQEE[Glu23=]EVQEDTAEED